The following is an entry in ClinVar:

NM_170675.5(MEIS2):c.446A>C (p.Gln149Pro)

Gene: MEIS2 (Meis homeobox 2; minus strand). Cytogenetic location: 15q14.
Variant type: single nucleotide variant.
Coding change: c.446A>C on transcript NM_170675.5 (MANE Select); coding-DNA position 446, A replaced by C.
Protein change: p.Gln149Pro; replaces glutamine 149 with proline.
Molecular consequence: missense variant. On other transcripts: non-coding transcript variant (1).
Genome position (GRCh38, 1-based): chr15:37,094,570, T>G on the plus strand (A>C on the coding strand, the complement: MEIS2 is on the minus strand). VCF-style: chr15-37094570-T-G. GRCh37 (hg19) VCF-style: chr15-37386771-T-G.
Other names: c.446A>C, p.Gln149Pro (NM_001220482.2, NM_170674.5, NM_170676.5 and 1 more transcripts); c.407A>C, p.Gln136Pro (NM_002399.4, NM_172315.3); c.182A>C, p.Gln61Pro (NM_172316.3); short protein forms Q136P, Q149P, Q61P.
Identifiers: ClinVar variation 3361618 (VCV003361618.1).
Genomic context (GRCh38, chr15:37,094,570, plus strand): 5'-CGTTATTTCCTGCTTACCTTTTCTAACTCCAAAAGATGAAACCTTAGTACTTGTATTGCT[T>G]GTATCATCTGAAAGAAAAGTTCAGGGAATGGAGTTAGAGCTCTGTGACTCTGAGGTCCTG-3'
Protein context (NP_733775.1, residues 139-159): SNPELDNLMI[Gln149Pro]AIQVLRFHLL

ClinVar aggregate classification (germline): Uncertain significance (1 of 4 stars; one submission).

Submission:

GeneDx
Classification: Uncertain significance. Last evaluated: 2024-04-05. Review status: criteria provided, single submitter. Criteria: GeneDx Variant Classification Process June 2021. Collection method: clinical testing. Allele origin: germline. Affected: yes.
Comment: Not observed at significant frequency in large population cohorts (gnomAD); In silico analysis supports that this missense variant has a deleterious effect on protein structure/function; Has not been previously published as pathogenic or benign to our knowledge